The following is an entry in ClinVar:

ClinVar aggregate classification (germline): Likely benign (1 of 4 stars; one submission).

Conditions:
HSD3B7-related disorder. Also called: HSD3B7-related condition.

Submission:

PreventionGenetics, part of Exact Sciences
Classification: Likely benign for HSD3B7-related condition. Last evaluated: 2026-07-21. Review status: criteria provided, single submitter. Criteria: ACMG Guidelines, 2015. Collection method: clinical testing. Allele origin: germline.
Comment: This variant is classified as likely benign based on ACMG/AMP sequence variant interpretation guidelines (Richards et al. 2015 PMID: 25741868, with internal and published modifications).

NM_025193.4(HSD3B7):c.453C>T (p.Tyr151=)

Gene: HSD3B7 (hydroxy-delta-5-steroid dehydrogenase, 3 beta- and steroid delta-isomerase 7; plus strand). Cytogenetic location: 16p11.2.
Variant type: single nucleotide variant.
Coding change: c.453C>T on transcript NM_025193.4 (MANE Select); coding-DNA position 453, C replaced by T.
Protein change: p.Tyr151=; no amino-acid change (tyrosine 151 retained).
Molecular consequence: synonymous variant.
Genome position (GRCh38, 1-based): chr16:30,986,626, C>T. VCF-style: chr16-30986626-C-T. GRCh37 (hg19) VCF-style: chr16-30997947-C-T.
Other names: c.453C>T, p.Tyr151= (NM_001142777.2, NM_001142778.2).
Identifiers: ClinVar variation 4988095 (VCV004988095.1).